The following is an entry in ClinVar:

ClinVar aggregate classification (germline): Uncertain significance. Review status: criteria provided, multiple submitters, no conflicts (2 of 4 stars). 3 submissions from 3 submitters: Uncertain significance (3). Last evaluated 2025-09-26.

Allele frequency attached by ClinVar (database versions not stated): TOPMed below 0.00001; gnomAD 0.00001; gnomAD exomes 0.00001.
gnomAD v4.1: 8 of 1,608,592 alleles (0.0005%); highest among the groups gnomAD compares: South Asian, 0.0011%; no homozygotes.

Submissions (3):

Ambry Genetics
Classification: Uncertain significance. Last evaluated: 2025-09-26. Review status: criteria provided, single submitter. Criteria: Ambry Variant Classification Scheme 2023. Collection method: clinical testing. Allele origin: germline.

Blueprint Genetics
Classification: Uncertain significance. Last evaluated: 2021-10-04. Review status: criteria provided, single submitter. Criteria: ACMG Guidelines, 2015. Collection method: clinical testing. Allele origin: germline.

Labcorp Genetics (formerly Invitae), Labcorp
Classification: Uncertain significance. Last evaluated: 2021-08-14. Review status: criteria provided, single submitter. Criteria: Invitae Variant Classification Sherloc (09022015). Collection method: clinical testing. Allele origin: germline.
Comment: This sequence change replaces isoleucine with valine at codon 493 of the C5 protein (p.Ile493Val). The isoleucine residue is moderately conserved and there is a small physicochemical difference between isoleucine and valine. This variant is not present in population databases (ExAC no frequency). This variant has not been reported in the literature in individuals affected with C5-related conditions. Algorithms developed to predict the effect of missense changes on protein structure and function output the following: SIFT: "Tolerated"; PolyPhen-2: "Benign"; Align-GVGD: "Class C0". The valine amino acid residue is found in multiple mammalian species, which suggests that this missense change does not adversely affect protein function. In summary, the available evidence is currently insufficient to determine the role of this variant in disease. Therefore, it has been classified as a Variant of Uncertain Significance.

NM_001735.3(C5):c.1477A>G (p.Ile493Val)

Gene: C5 (complement C5; minus strand). Cytogenetic location: 9q33.2.
Variant type: single nucleotide variant.
Coding change: c.1477A>G on transcript NM_001735.3 (MANE Select); coding-DNA position 1477, A replaced by G.
Protein change: p.Ile493Val; replaces isoleucine 493 with valine.
Molecular consequence: missense variant.
Genome position (GRCh38, 1-based): chr9:121,020,005, T>C on the plus strand (A>G on the coding strand, the complement: C5 is on the minus strand). VCF-style: chr9-121020005-T-C. GRCh37 (hg19) VCF-style: chr9-123782283-T-C.
Other names: c.1495A>G, p.Ile499Val (NM_001317163.2); c.1477A>G, p.Ile493Val (NM_001317164.2); c.1477A>G (NM_001735.2); short protein forms I493V, I499V.
Identifiers: ClinVar variation 1413343 (VCV001413343.7), dbSNP rs1224206630, ClinGen allele CA374750759.
Genomic context (GRCh38, chr9:121,020,005, plus strand): 5'-ATAAGATGTAAATCCATCATTATGTACTTACCAAGTAATTATAGTGAGTTATTTTGTCAA[T>C]ATATGGGCTTTTGGGGGTAACAATAATATTCAGATGTTCTCCCACTAGCAAAGCCTTATG-3'
Protein context (NP_001726.2, residues 483-503): NIIVTPKSPY[Ile493Val]DKITHYNYLI